The following is an entry in ClinVar:

Single allele

Genes: CCNC (cyclin C; minus strand), COQ3 (coenzyme Q3, methyltransferase; minus strand), FAXC (failed axon connections homolog, metaxin like GST domain containing; minus strand), MCHR2 (melanin concentrating hormone receptor 2; minus strand), PNISR (PNN interacting serine and arginine rich protein; minus strand) and 25 more. Cytogenetic location: 6q16.2.
Variant type: Deletion.
Identifiers: ClinVar variation 560106 (VCV000560106.3).

ClinVar aggregate classification (germline): Uncertain significance (1 of 4 stars; one submission).

Submission:

Geisinger Autism and Developmental Medicine Institute, Geisinger Health System
Classification: Uncertain significance. Last evaluated: 2018-03-22. Review status: criteria provided, single submitter. Criteria: ACMG CNV Guidelines, 2011. Collection method: provider interpretation. Allele origin: unknown.
Comment: The deletion includes seven genes, none of which have been associated with clinical disorders.